The following is an entry in ClinVar:

NM_133433.4(NIPBL):c.4449A>G (p.Glu1483=)

Gene: NIPBL (NIPBL cohesin loading factor; plus strand). Cytogenetic location: 5p13.2.
Variant type: single nucleotide variant.
Coding change: c.4449A>G on transcript NM_133433.4 (MANE Select); coding-DNA position 4449, A replaced by G.
Protein change: p.Glu1483=; no amino-acid change (glutamic acid 1483 retained).
Molecular consequence: synonymous variant.
Genome position (GRCh38, 1-based): chr5:37,010,114, A>G. VCF-style: chr5-37010114-A-G. GRCh37 (hg19) VCF-style: chr5-37010216-A-G.
Other names: c.4449A>G, p.Glu1483= (NM_015384.5).
Identifiers: ClinVar variation 2058755 (VCV002058755.7), dbSNP rs759492239, ClinGen allele CA3236563.
Genomic context (GRCh38, chr5:37,010,114, plus strand): 5'-ATACTCCATACAAATTTTTTTTCTTCATTAAAGGTTAAACAGTAGTGATATGGATGGAGA[A>G]CCTATGTATATTCAGATGGTTACAGCACTGGTTTTACAACTTATTCAGTGTGTGGTACAC-3'
Protein context (NP_597677.2, residues 1473-1493): FRLNSSDMDG[Glu1483=]PMYIQMVTAL

ClinVar aggregate classification (germline): Likely benign. Review status: criteria provided, multiple submitters, no conflicts (2 of 4 stars). 3 submissions from 3 submitters: Likely benign (3). Last evaluated 2026-05-01.

Conditions:
Cornelia de Lange syndrome 1 (CDLS1). Also called: Brachmann de Lange syndrome; NIPBL-Related Cornelia de Lange Syndrome; TYPUS DEGENERATIVUS AMSTELODAMENSIS. Identifiers: Orphanet 199, MedGen C4551851, MONDO:0007387, OMIM 122470.

Allele frequency attached by ClinVar (database versions not stated): ExAC 0.00002; TOPMed 0.00005; gnomAD 0.00007; gnomAD exomes 0.00008.
gnomAD v4.1: 129 of 1,612,282 alleles (0.008%); highest among the groups gnomAD compares: Non-Finnish European, 0.01%; no homozygotes.

Submissions (3):

CeGaT Center for Human Genetics Tuebingen
Classification: Likely benign. Last evaluated: 2026-05-01. Review status: criteria provided, single submitter. Criteria: CeGaT Center For Human Genetics Tuebingen Variant Classification Criteria Version 2. Collection method: clinical testing. Allele origin: germline. Affected: yes. Observed: 1 variant allele.
Comment: NIPBL: BP4, BP7

Labcorp Genetics (formerly Invitae), Labcorp
Classification: Likely benign for Cornelia de Lange syndrome 1. Last evaluated: 2023-12-27. Review status: criteria provided, single submitter. Criteria: Invitae Variant Classification Sherloc (09022015). Collection method: clinical testing. Allele origin: germline.

Blueprint Genetics
Classification: Likely benign. Last evaluated: 2022-03-18. Review status: criteria provided, single submitter. Criteria: ACMG Guidelines, 2015. Collection method: clinical testing. Allele origin: germline.